The following is an entry in ClinVar:

ClinVar aggregate classification (germline): Uncertain significance. Review status: criteria provided, multiple submitters, no conflicts (2 of 4 stars). 2 submissions from 2 submitters: Uncertain significance (2). Last evaluated 2025-11-15.

Conditions:
Cardiovascular phenotype. Identifiers: MedGen CN230736.
Brugada syndrome. Also called: Sudden unexpected nocturnal death syndrome; Sudden unexplained nocturnal death syndrome; Sudden Unexplained Death Syndrome; Sudden Unexplained Nocturnal Death Syndrome (SUNDS). Identifiers: Orphanet 130, MedGen C1142166, MONDO:0015263.

gnomAD v4.1: 28 of 1,612,930 alleles (0.0017%); highest among the groups gnomAD compares: Non-Finnish European, 0.0022%; no homozygotes.

Submissions (2):

Ambry Genetics
Classification: Uncertain significance for Cardiovascular phenotype. Last evaluated: 2025-11-15. Review status: criteria provided, single submitter. Criteria: Ambry Variant Classification Scheme 2023. Collection method: clinical testing. Allele origin: germline.
Comment: The p.R1089L variant (also known as c.3266G>T), located in coding exon 39 of the CACNA2D1 gene, results from a G to T substitution at nucleotide position 3266. The arginine at codon 1089 is replaced by leucine, an amino acid with dissimilar properties. This amino acid position is conserved. In addition, this alteration is predicted to be tolerated by in silico analysis. Since supporting evidence is limited at this time, the clinical significance of this alteration remains unclear.

Labcorp Genetics (formerly Invitae), Labcorp
Classification: Uncertain significance for Brugada syndrome. Last evaluated: 2024-02-23. Review status: criteria provided, single submitter. Criteria: Invitae Variant Classification Sherloc (09022015). Collection method: clinical testing. Allele origin: germline.
Comment: This sequence change replaces arginine, which is basic and polar, with leucine, which is neutral and non-polar, at codon 1089 of the CACNA2D1 protein (p.Arg1089Leu). This variant is present in population databases (rs143631985, gnomAD 0.0009%). This variant has not been reported in the literature in individuals affected with CACNA2D1-related conditions. ClinVar contains an entry for this variant (Variation ID: 1519635). An algorithm developed to predict the effect of missense changes on protein structure and function (PolyPhen-2) suggests that this variant is likely to be tolerated. In summary, the available evidence is currently insufficient to determine the role of this variant in disease. Therefore, it has been classified as a Variant of Uncertain Significance.

NM_000722.4(CACNA2D1):c.3266G>T (p.Arg1089Leu)

Gene: CACNA2D1 (calcium voltage-gated channel auxiliary subunit alpha2delta 1; minus strand). Cytogenetic location: 7q21.11.
Variant type: single nucleotide variant.
Coding change: c.3266G>T on transcript NM_000722.4 (MANE Select); coding-DNA position 3266, G replaced by T.
Protein change: p.Arg1089Leu; replaces arginine 1089 with leucine.
Molecular consequence: missense variant.
Genome position (GRCh38, 1-based): chr7:81,950,402, C>A on the plus strand (G>T on the coding strand, the complement: CACNA2D1 is on the minus strand). VCF-style: chr7-81950402-C-A. GRCh37 (hg19) VCF-style: chr7-81579718-C-A.
Other names: c.3266G>T (NM_000722.2); c.3302G>T, p.Arg1101Leu (NM_001366867.1); short protein forms R1089L, R1101L.
Identifiers: ClinVar variation 1519635 (VCV001519635.10), dbSNP rs143631985, ClinGen allele CA161116484.
Genomic context (GRCh38, chr7:81,950,402, plus strand): 5'-TGTTTTGGCAGGGTCTGGAGTTTAACTATGCAGATTTGGTTTTTAGAAGGTCATAACAGG[C>A]GGTGTGTGCTGCCAGATACCAGCCAAAGTAGTAGAAACTGGATTCCAATGATATACCACA-3'
Protein context (NP_000713.2, residues 1079-1091): LLWLVSGSTH[Arg1089Leu]LL